The following is an entry in ClinVar:

ClinVar aggregate classification (germline): Uncertain significance (1 of 4 stars; one submission).

Conditions:
Duchenne muscular dystrophy (DMD). Also called: MUSCULAR DYSTROPHY, PSEUDOHYPERTROPHIC PROGRESSIVE, DUCHENNE TYPE; Duchenne Muscular Dystrophy (DMD). Identifiers: Orphanet 98896, MedGen C0013264, MONDO:0010679, OMIM 310200.

Submission:

Labcorp Genetics (formerly Invitae), Labcorp
Classification: Uncertain significance for Duchenne muscular dystrophy. Last evaluated: 2023-01-30. Review status: criteria provided, single submitter. Criteria: Invitae Variant Classification Sherloc (09022015). Collection method: clinical testing. Allele origin: germline.
Comment: This sequence change replaces proline, which is neutral and non-polar, with serine, which is neutral and polar, at codon 3550 of the DMD protein (p.Pro3550Ser). This variant is not present in population databases (gnomAD no frequency). This variant has not been reported in the literature in individuals affected with DMD-related conditions. Advanced modeling of protein sequence and biophysical properties (such as structural, functional, and spatial information, amino acid conservation, physicochemical variation, residue mobility, and thermodynamic stability) performed at Invitae indicates that this missense variant is not expected to disrupt DMD protein function. In summary, the available evidence is currently insufficient to determine the role of this variant in disease. Therefore, it has been classified as a Variant of Uncertain Significance.

NM_004006.3(DMD):c.10648C>T (p.Pro3550Ser)

Gene: DMD (dystrophin; minus strand). Cytogenetic location: Xp21.2.
Variant type: single nucleotide variant.
Coding change: c.10648C>T on transcript NM_004006.3 (MANE Select); coding-DNA position 10648, C replaced by T.
Protein change: p.Pro3550Ser; replaces proline 3550 with serine.
Molecular consequence: missense variant.
Genome position (GRCh38, 1-based): chrX:31,147,424, G>A on the plus strand (C>T on the coding strand, the complement: DMD is on the minus strand). VCF-style: chrX-31147424-G-A. GRCh37 (hg19) VCF-style: chrX-31165541-G-A.
Other names: c.10624C>T, p.Pro3542Ser (NM_000109.4); c.10636C>T, p.Pro3546Ser (NM_004009.3); c.10279C>T, p.Pro3427Ser (NM_004010.3); c.6625C>T, p.Pro2209Ser (NM_004011.4); c.6616C>T, p.Pro2206Ser (NM_004012.4); c.3268C>T, p.Pro1090Ser (NM_004013.3, NM_004021.3); c.2461C>T, p.Pro821Ser (NM_004014.3); c.1444C>T, p.Pro482Ser (NM_004015.3, NM_004016.3); and 3 more; short protein forms P821S, P980S, P1090S, P3542S, P3546S, P2206S, P2209S, P1077S.
Identifiers: ClinVar variation 2741866 (VCV002741866.3), dbSNP rs2519443492, ClinGen allele CA412649312.
Genomic context (GRCh38, chrX:31,147,424, plus strand): 5'-CTTTGTGTTGACGCAGTAGCTTGGCCTCAGCAATGAGCTCAGCATCCCGGGGACTCTGGG[G>A]AGAGGTGGGCATCATTTCAGGAGGGGACGGCAGTGGGGACAGGCCTTTATGTTCGTGCTG-3'
Protein context (NP_003997.2, residues 3540-3560): PSPPEMMPTS[Pro3550Ser]QSPRDAELIA